The following is an entry in ClinVar:

NM_017882.3(CLN6):c.365T>C (p.Met122Thr)

Gene: CLN6 (CLN6 transmembrane ER protein; minus strand). Cytogenetic location: 15q23.
Variant type: single nucleotide variant.
Coding change: c.365T>C on transcript NM_017882.3 (MANE Select); coding-DNA position 365, T replaced by C.
Protein change: p.Met122Thr; replaces methionine 122 with threonine.
Molecular consequence: missense variant.
Genome position (GRCh38, 1-based): chr15:68,211,796, A>G on the plus strand (T>C on the coding strand, the complement: CLN6 is on the minus strand). VCF-style: chr15-68211796-A-G. GRCh37 (hg19) VCF-style: chr15-68504134-A-G.
Other names: short protein forms M122T.
Identifiers: ClinVar variation 858693 (VCV000858693.10), dbSNP rs2093206265, ClinGen allele CA392973563.

ClinVar aggregate classification (germline): Uncertain significance (1 of 4 stars; one submission).

Conditions:
Neuronal ceroid lipofuscinosis. Also called: Neuronal Ceroid Lipofuscinoses. Identifiers: Orphanet 216, Orphanet 79263, MedGen C0027877, MONDO:0016295. Disease mechanism: loss of function.

Allele frequency attached by ClinVar (database versions not stated): gnomAD exomes below 0.00001.

Submission:

Labcorp Genetics (formerly Invitae), Labcorp
Classification: Uncertain significance for Neuronal ceroid lipofuscinosis. Last evaluated: 2019-03-26. Review status: criteria provided, single submitter. Criteria: Invitae Variant Classification Sherloc (09022015). Collection method: clinical testing. Allele origin: germline.
Comment: This sequence change replaces methionine with threonine at codon 122 of the CLN6 protein (p.Met122Thr). The methionine residue is highly conserved and there is a moderate physicochemical difference between methionine and threonine. In summary, the available evidence is currently insufficient to determine the role of this variant in disease. Therefore, it has been classified as a Variant of Uncertain Significance. Algorithms developed to predict the effect of missense changes on protein structure and function (SIFT, PolyPhen-2, Align-GVGD) all suggest that this variant is likely to be disruptive, but these predictions have not been confirmed by published functional studies and their clinical significance is uncertain. This variant has not been reported in the literature in individuals with CLN6-related conditions. This variant is not present in population databases (ExAC no frequency).